The following is an entry in ClinVar:

NM_001048174.2(MUTYH):c.137A>T (p.Glu46Val)

Gene: MUTYH (mutY DNA glycosylase; minus strand). Cytogenetic location: 1p34.1.
Variant type: single nucleotide variant.
Coding change: c.137A>T on transcript NM_001048174.2 (MANE Select); coding-DNA position 137, A replaced by T.
Protein change: p.Glu46Val; replaces glutamic acid 46 with valine.
Molecular consequence: missense variant. On other transcripts: 5 prime UTR variant (1), non-coding transcript variant (5), intron variant (5).
Genome position (GRCh38, 1-based): chr1:45,333,540, T>A on the plus strand (A>T on the coding strand, the complement: MUTYH is on the minus strand). VCF-style: chr1-45333540-T-A. GRCh37 (hg19) VCF-style: chr1-45799212-T-A.
Other names: c.137A>T, p.Glu46Val (NM_001048171.2, NM_001048173.2, NM_001293195.2 and 6 more transcripts); c.140A>T, p.Glu47Val (NM_001048172.2, NM_001407071.1, NM_001407078.1 and 2 more transcripts); c.221A>T, p.Glu74Val (NM_001128425.2); c.182A>T, p.Glu61Val (NM_001293190.2); c.170A>T, p.Glu57Val (NM_001293191.2, NM_001407077.1); c.-135A>T (NM_001350650.2); c.212A>T, p.Glu71Val (NM_001407069.1, NM_012222.3); c.179A>T, p.Glu60Val (NM_001407073.1, NM_001407083.1, NM_001407085.1); and 4 more; short protein forms E47V, E60V, E18V, E53V, E57V, E71V, E61V, E46V.
Identifiers: ClinVar variation 4113518 (VCV004113518.1).

ClinVar aggregate classification (germline): Uncertain significance (1 of 4 stars; one submission).

Conditions:
Hereditary cancer-predisposing syndrome. Also called: Hereditary neoplastic syndrome; Neoplastic Syndromes, Hereditary; Tumor predisposition; Hereditary Cancer Syndrome. Identifiers: Orphanet 140162, MedGen C0027672, MeSH D009386, MONDO:0015356.

Submission:

Ambry Genetics
Classification: Uncertain significance for Hereditary cancer-predisposing syndrome. Last evaluated: 2025-08-27. Review status: criteria provided, single submitter. Criteria: Ambry Variant Classification Scheme 2023. Collection method: clinical testing. Allele origin: germline.
Comment: The p.E74V variant (also known as c.221A>T), located in coding exon 3 of the MUTYH gene, results from an A to T substitution at nucleotide position 221. The glutamic acid at codon 74 is replaced by valine, an amino acid with dissimilar properties. This amino acid position is conserved. In addition, this alteration is predicted to be tolerated by in silico analysis. Based on the available evidence, the clinical significance of this variant remains unclear.